The following is an entry in ClinVar:

NM_000268.4(NF2):c.896T>C (p.Leu299Pro)

Gene: NF2 (NF2, moesin-ezrin-radixin like (MERLIN) tumor suppressor; plus strand). Cytogenetic location: 22q12.2.
Variant type: single nucleotide variant.
Coding change: c.896T>C on transcript NM_000268.4 (MANE Select); coding-DNA position 896, T replaced by C.
Protein change: p.Leu299Pro; replaces leucine 299 with proline.
Molecular consequence: missense variant. On other transcripts: non-coding transcript variant (1), intron variant (1).
Genome position (GRCh38, 1-based): chr22:29,668,343, T>C. VCF-style: chr22-29668343-T-C. GRCh37 (hg19) VCF-style: chr22-30064332-T-C.
Other names: c.896T>C, p.Leu299Pro (NM_016418.5, NM_181825.3, NM_181832.3); c.770T>C, p.Leu257Pro (NM_181828.3); c.773T>C, p.Leu258Pro (NM_181829.3); c.647T>C, p.Leu216Pro (NM_181830.3, NM_181831.3); c.447+26058T>C (NM_181833.3); short protein forms L257P, L216P, L258P, L299P.
Identifiers: ClinVar variation 853586 (VCV000853586.10), dbSNP rs2066685117, ClinGen allele CA411145578.
Genomic context (GRCh38, chr22:29,668,343, plus strand): 5'-TGAAGTAAATTTGTGGATATTAACCTTTTTGTCTGCTTCTGTGGCCACAGATTCTCCAGC[T>C]ATGTATCGGGAACCATGATCTATTTATGAGGAGAAGGAAAGCCGATTCTTTGGAAGTTCA-3'
Protein context (NP_000259.1, residues 289-309): KLRVNKLILQ[Leu299Pro]CIGNHDLFMR

ClinVar aggregate classification (germline): Uncertain significance (1 of 4 stars; one submission).

Conditions:
Neurofibromatosis, type 2 (SWNV). Also called: BILATERAL ACOUSTIC NEUROFIBROMATOSIS; SCHWANNOMATOSIS, VESTIBULAR; NF2-Related Schwannomatosis. Identifiers: Orphanet 637, MedGen C0027832, MONDO:0007039, OMIM 101000. Disease mechanism: loss of function.

Submission:

Labcorp Genetics (formerly Invitae), Labcorp
Classification: Uncertain significance for Neurofibromatosis, type 2. Last evaluated: 2019-01-24. Review status: criteria provided, single submitter. Criteria: Invitae Variant Classification Sherloc (09022015). Collection method: clinical testing. Allele origin: germline.
Comment: In summary, the available evidence is currently insufficient to determine the role of this variant in disease. Therefore, it has been classified as a Variant of Uncertain Significance. Algorithms developed to predict the effect of missense changes on protein structure and function (SIFT, PolyPhen-2, Align-GVGD) all suggest that this variant is likely to be disruptive, but these predictions have not been confirmed by published functional studies and their clinical significance is uncertain. This variant has not been reported in the literature in individuals with NF2-related conditions. This variant is not present in population databases (ExAC no frequency). This sequence change replaces leucine with proline at codon 299 of the NF2 protein (p.Leu299Pro). The leucine residue is highly conserved and there is a moderate physicochemical difference between leucine and proline.